The following is an entry in ClinVar:

ClinVar aggregate classification (germline): Uncertain significance (1 of 4 stars; one submission).

Submission:

Labcorp Genetics (formerly Invitae), Labcorp
Classification: Uncertain significance. Last evaluated: 2025-08-31. Review status: criteria provided, single submitter. Criteria: Invitae Variant Classification Sherloc (09022015). Collection method: clinical testing. Allele origin: germline.
Comment: This sequence change replaces valine, which is neutral and non-polar, with leucine, which is neutral and non-polar, at codon 1991 of the MYO7A protein (p.Val1991Leu). This variant is not present in population databases (gnomAD no frequency). This variant has not been reported in the literature in individuals affected with MYO7A-related conditions. Invitae Evidence Modeling of protein sequence and biophysical properties (such as structural, functional, and spatial information, amino acid conservation, physicochemical variation, residue mobility, and thermodynamic stability) indicates that this missense variant is not expected to disrupt MYO7A protein function with a negative predictive value of 95%. In summary, the available evidence is currently insufficient to determine the role of this variant in disease. Therefore, it has been classified as a Variant of Uncertain Significance.

NM_000260.4(MYO7A):c.5971G>T (p.Val1991Leu)

Gene: MYO7A (myosin VIIA; plus strand). Cytogenetic location: 11q13.5.
Variant type: single nucleotide variant.
Coding change: c.5971G>T on transcript NM_000260.4 (MANE Select); coding-DNA position 5971, G replaced by T.
Protein change: p.Val1991Leu; replaces valine 1991 with leucine.
Molecular consequence: missense variant.
Genome position (GRCh38, 1-based): chr11:77,208,723, G>T. VCF-style: chr11-77208723-G-T. GRCh37 (hg19) VCF-style: chr11-76919768-G-T.
Other names: c.5857G>T, p.Val1953Leu (NM_001127180.2); c.5824G>T, p.Val1942Leu (NM_001369365.1); short protein forms V1942L, V1953L, V1991L.
Identifiers: ClinVar variation 4800491 (VCV004800491.1).